The following is an entry in ClinVar:

NM_001374828.1(ARID1B):c.1732C>T (p.Gln578Ter)

Gene: ARID1B (AT-rich interaction domain 1B; plus strand). Cytogenetic location: 6q25.3.
Variant type: single nucleotide variant.
Coding change: c.1732C>T on transcript NM_001374828.1 (MANE Select); coding-DNA position 1732, C replaced by T.
Protein change: p.Gln578Ter; replaces glutamine 578 with a stop codon.
Molecular consequence: nonsense.
Genome position (GRCh38, 1-based): chr6:156,779,412, C>T. VCF-style: chr6-156779412-C-T. GRCh37 (hg19) VCF-style: chr6-157100546-C-T.
Other names: c.1483C>T, p.Gln495Ter (NM_020732.3); c.1732C>T, p.Gln578Ter (NM_001371656.1, NM_001374820.1, NM_017519.3); short protein forms Q495*, Q578*.
Identifiers: ClinVar variation 434378 (VCV000434378.7), dbSNP rs1554248236, ClinGen allele CA366385589.

ClinVar aggregate classification (germline): Pathogenic. Review status: criteria provided, multiple submitters, no conflicts (2 of 4 stars). 2 submissions from 2 submitters: Pathogenic (2). Last evaluated 2024-07-29.

Conditions:
Coffin-Siris syndrome 1 (CSS1). Also called: Mental retardation, autosomal dominant 12; ARID1B-Related Coffin-Siris Syndrome. Identifiers: Orphanet 1465, MedGen C3281201, MONDO:0007617, OMIM 135900. Disease mechanism: gain of function.

Submissions (2):

GeneDx
Classification: Pathogenic. Last evaluated: 2024-07-29. Review status: criteria provided, single submitter. Criteria: GeneDx Variant Classification Process June 2021. Collection method: clinical testing. Allele origin: germline. Affected: yes.
Comment: Nonsense variant predicted to result in protein truncation or nonsense mediated decay in a gene for which loss of function is a known mechanism of disease; Not observed at significant frequency in large population cohorts (gnomAD); This variant is associated with the following publications: (PMID: 30459321, 32554995, 35904121)

Genetic Services Laboratory, University of Chicago
Classification: Pathogenic for Mental retardation, autosomal dominant 12. Last evaluated: 2016-06-27. Review status: criteria provided, single submitter. Criteria: ACMG Guidelines, 2015. Collection method: clinical testing. Allele origin: germline. Affected: yes.